The following is an entry in ClinVar:

NM_020928.2(ZSWIM6):c.3546G>A (p.Ala1182=)

Gene: ZSWIM6 (zinc finger SWIM-type containing 6; plus strand). Cytogenetic location: 5q12.1.
Variant type: single nucleotide variant.
Coding change: c.3546G>A on transcript NM_020928.2 (MANE Select); coding-DNA position 3546, G replaced by A.
Protein change: p.Ala1182=; no amino-acid change (alanine 1182 retained).
Molecular consequence: synonymous variant.
Genome position (GRCh38, 1-based): chr5:61,544,215, G>A. VCF-style: chr5-61544215-G-A. GRCh37 (hg19) VCF-style: chr5-60840042-G-A.
Identifiers: ClinVar variation 1661492 (VCV001661492.14), dbSNP rs762457192, ClinGen allele CA3278532.

ClinVar aggregate classification (germline): Likely benign. Review status: criteria provided, multiple submitters, no conflicts (2 of 4 stars). 2 submissions from 2 submitters: Likely benign (2). Last evaluated 2026-02-02.

Allele frequency attached by ClinVar (database versions not stated): gnomAD 0.00003 and 0.00005; TOPMed 0.00004; gnomAD exomes 0.00005 and 0.00010; ExAC 0.00023.
gnomAD v4.1: 75 of 1,551,392 alleles (0.0048%); highest among the groups gnomAD compares: South Asian, 0.027%; no homozygotes.

Submissions (2):

Labcorp Genetics (formerly Invitae), Labcorp
Classification: Likely benign. Last evaluated: 2026-02-02. Review status: criteria provided, single submitter. Criteria: Invitae Variant Classification Sherloc (09022015). Collection method: clinical testing. Allele origin: germline.

CeGaT Center for Human Genetics Tuebingen
Classification: Likely benign. Last evaluated: 2025-11-01. Review status: criteria provided, single submitter. Criteria: CeGaT Center For Human Genetics Tuebingen Variant Classification Criteria Version 2. Collection method: clinical testing. Allele origin: germline. Affected: yes. Observed: 1 variant allele.
Comment: ZSWIM6: BP4, BP7